The following is an entry in ClinVar:

NM_000252.3(MTM1):c.640C>T (p.Arg214Trp)

Gene: MTM1 (myotubularin 1; plus strand). Cytogenetic location: Xq28.
Variant type: single nucleotide variant.
Coding change: c.640C>T on transcript NM_000252.3 (MANE Select); coding-DNA position 640, C replaced by T.
Protein change: p.Arg214Trp; replaces arginine 214 with tryptophan.
Molecular consequence: missense variant.
Genome position (GRCh38, 1-based): chrX:150,641,380, C>T. VCF-style: chrX-150641380-C-T. GRCh37 (hg19) VCF-style: chrX-149809853-C-T.
Other names: c.640C>T, p.Arg214Trp (NM_001376906.1, NM_001376908.1); c.529C>T, p.Arg177Trp (NM_001376907.1); short protein forms R177W, R214W.
Identifiers: ClinVar variation 2883634 (VCV002883634.3), dbSNP rs782761570, ClinGen allele CA10539137.

ClinVar aggregate classification (germline): Uncertain significance (1 of 4 stars; one submission).

Conditions:
Severe X-linked myotubular myopathy (CNMX). Also called: X-linked centronuclear myopathy; MYOTUBULAR MYOPATHY 1; Myotubular myopathy, X-linked. Identifiers: Orphanet 596, MedGen C0410203, MONDO:0010683, OMIM 310400.

Allele frequency attached by ClinVar (database versions not stated): gnomAD exomes 0.00001; ExAC 0.00002.
gnomAD v4.1: 15 of 1,211,464 alleles (0.0012%); highest among the groups gnomAD compares: Admixed American, 0.0022%; no homozygotes.

Submission:

Labcorp Genetics (formerly Invitae), Labcorp
Classification: Uncertain significance for Severe X-linked myotubular myopathy. Last evaluated: 2025-04-10. Review status: criteria provided, single submitter. Criteria: Invitae Variant Classification Sherloc (09022015). Collection method: clinical testing. Allele origin: germline.
Comment: This sequence change replaces arginine, which is basic and polar, with tryptophan, which is neutral and slightly polar, at codon 214 of the MTM1 protein (p.Arg214Trp). This variant is present in population databases (rs782761570, gnomAD 0.004%), including at least one homozygous and/or hemizygous individual. This variant has not been reported in the literature in individuals affected with MTM1-related conditions. ClinVar contains an entry for this variant (Variation ID: 2883634). Invitae Evidence Modeling of protein sequence and biophysical properties (such as structural, functional, and spatial information, amino acid conservation, physicochemical variation, residue mobility, and thermodynamic stability) indicates that this missense variant is expected to disrupt MTM1 protein function with a positive predictive value of 95%. In summary, the available evidence is currently insufficient to determine the role of this variant in disease. Therefore, it has been classified as a Variant of Uncertain Significance.